The following is an entry in ClinVar:

ClinVar aggregate classification (germline): Conflicting classifications of pathogenicity. Review status: criteria provided, conflicting classifications (1 of 4 stars). 2 submissions from 2 submitters: Uncertain significance (1); Likely benign (1). Last evaluated 2024-05-13.

Conditions:
Retinitis pigmentosa 39 (RP39). Identifiers: Orphanet 791, MedGen C3151138, MONDO:0013436, OMIM 613809.

Allele frequency attached by ClinVar (database versions not stated): ExAC 0.00001; gnomAD 0.00001; gnomAD exomes 0.00001 and 0.00002; TOPMed 0.00002.
gnomAD v4.1: 26 of 1,613,570 alleles (0.0016%); highest among the groups gnomAD compares: Admixed American, 0.0067%; no homozygotes.

Submissions (2):

Labcorp Genetics (formerly Invitae), Labcorp
Classification: Likely benign. Last evaluated: 2024-05-13. Review status: criteria provided, single submitter. Criteria: Invitae Variant Classification Sherloc (09022015). Collection method: clinical testing. Allele origin: germline.

Ocular Genomics Institute, Massachusetts Eye and Ear
Classification: Uncertain significance for Retinitis pigmentosa 39. Last evaluated: 2021-04-08. Review status: criteria provided, single submitter. Criteria: ACMG Guidelines, 2015. Collection method: research. Allele origin: germline. Affected: yes.
Comment: Through a review of available evidence we were able to apply the following criteria: PM2. Based on this evidence we have classified this variant as Variant of Uncertain Significance.

NM_206933.4(USH2A):c.5598T>C (p.Val1866=)

Genes: USH2A (usherin; minus strand), USH2A-AS2 (USH2A antisense RNA 2; plus strand). Cytogenetic location: 1q41.
Variant type: single nucleotide variant.
Coding change: c.5598T>C on transcript NM_206933.4 (MANE Select); coding-DNA position 5598, T replaced by C.
Protein change: p.Val1866=; no amino-acid change (valine 1866 retained).
Molecular consequence: synonymous variant.
Genome position (GRCh38, 1-based): chr1:216,073,275, A>G on the plus strand (T>C on the coding strand, the complement: USH2A is on the minus strand). VCF-style: chr1-216073275-A-G. GRCh37 (hg19) VCF-style: chr1-216246617-A-G.
Identifiers: ClinVar variation 1065789 (VCV001065789.10), dbSNP rs771810761, ClinGen allele CA1395405.